The following is an entry in ClinVar:

NM_004168.4(SDHA):c.1260+13G>T

Gene: SDHA (succinate dehydrogenase complex flavoprotein subunit A; plus strand). Cytogenetic location: 5p15.33.
Variant type: single nucleotide variant.
Coding change: c.1260+13G>T on transcript NM_004168.4 (MANE Select); 13 bases into the intron after coding-DNA position 1260, G replaced by T.
Molecular consequence: intron variant.
Genome position (GRCh38, 1-based): chr5:235,352, G>T. VCF-style: chr5-235352-G-T. GRCh37 (hg19) VCF-style: chr5-235467-G-T.
Other names: c.1260+13G>T (NM_001330758.2); c.1116+13G>T (NM_001294332.2).
Identifiers: ClinVar variation 514782 (VCV000514782.10), dbSNP rs185239026, ClinGen allele CA3173150.

ClinVar aggregate classification (germline): Benign/Likely benign. Review status: criteria provided, multiple submitters, no conflicts (2 of 4 stars). 3 submissions from 3 submitters: Benign (1); Likely benign (2). Last evaluated 2025-12-14.

Conditions:
Mitochondrial complex II deficiency, nuclear type 1. Also called: SUCCINATE CoQ REDUCTASE DEFICIENCY. Identifiers: Orphanet 3208, MedGen C5700310, MONDO:0100294, OMIM 252011.
Pheochromocytoma/paraganglioma syndrome 5. Also called: Paragangliomas 5; SDHA-Related Hereditary Paraganglioma-Pheochromocytoma Syndrome. Identifiers: Orphanet 29072, MedGen C3279992, MONDO:0013602, OMIM 614165.

Allele frequency attached by ClinVar (database versions not stated): TOPMed 0.00003; ESP Exome Variant Server 0.00015; 1000 Genomes Project 30x 0.00016; 1000 Genomes Project 0.00020; gnomAD exomes 0.00038 and 0.00080; gnomAD 0.00074 and 0.00076; ExAC 0.00085.
gnomAD v4.1: 673 of 1,613,850 alleles (0.042%); highest among the groups gnomAD compares: Non-Finnish European, 0.0076%; 6 homozygotes.

Submissions (3):

Labcorp Genetics (formerly Invitae), Labcorp
Classification: Benign for Pheochromocytoma/paraganglioma syndrome 5; Mitochondrial complex II deficiency, nuclear type 1. Last evaluated: 2025-12-14. Review status: criteria provided, single submitter. Criteria: Invitae Variant Classification Sherloc (09022015). Collection method: clinical testing. Allele origin: germline.

Blueprint Genetics
Classification: Likely benign. Last evaluated: 2024-11-08. Review status: criteria provided, single submitter. Criteria: ACMG Guidelines, 2015. Collection method: clinical testing. Allele origin: germline.

GeneDx
Classification: Likely benign. Last evaluated: 2018-01-22. Review status: criteria provided, single submitter. Criteria: GeneDx Variant Classification (06012015). Collection method: clinical testing. Allele origin: germline. Affected: yes.
Comment: This variant is considered likely benign or benign based on one or more of the following criteria: it is a conservative change, it occurs at a poorly conserved position in the protein, it is predicted to be benign by multiple in silico algorithms, and/or has population frequency not consistent with disease.